The following is an entry in ClinVar:

NM_005802.5(TOPORS):c.191C>A (p.Ser64Tyr)

Gene: TOPORS (TOP1 binding arginine/serine rich protein, E3 ubiquitin ligase; minus strand). Cytogenetic location: 9p21.1.
Variant type: single nucleotide variant.
Coding change: c.191C>A on transcript NM_005802.5 (MANE Select); coding-DNA position 191, C replaced by A.
Protein change: p.Ser64Tyr; replaces serine 64 with tyrosine.
Molecular consequence: missense variant. On other transcripts: intron variant (1).
Genome position (GRCh38, 1-based): chr9:32,550,781, G>T on the plus strand (C>A on the coding strand, the complement: TOPORS is on the minus strand). VCF-style: chr9-32550781-G-T. GRCh37 (hg19) VCF-style: chr9-32550779-G-T.
Other names: c.3+1653C>A (NM_001195622.2); short protein forms S64Y.
Identifiers: ClinVar variation 1478983 (VCV001478983.6), dbSNP rs1204967969, ClinGen allele CA373173242.

ClinVar aggregate classification (germline): Uncertain significance (1 of 4 stars; one submission).

Allele frequency attached by ClinVar (database versions not stated): TOPMed below 0.00001.

Submission:

Labcorp Genetics (formerly Invitae), Labcorp
Classification: Uncertain significance. Last evaluated: 2022-07-06. Review status: criteria provided, single submitter. Criteria: Invitae Variant Classification Sherloc (09022015). Collection method: clinical testing. Allele origin: germline.
Comment: This sequence change replaces serine, which is neutral and polar, with tyrosine, which is neutral and polar, at codon 64 of the TOPORS protein (p.Ser64Tyr). In summary, the available evidence is currently insufficient to determine the role of this variant in disease. Therefore, it has been classified as a Variant of Uncertain Significance. Algorithms developed to predict the effect of missense changes on protein structure and function are either unavailable or do not agree on the potential impact of this missense change (SIFT: "Tolerated"; PolyPhen-2: "Possibly Damaging"; Align-GVGD: "Class C0"). ClinVar contains an entry for this variant (Variation ID: 1478983). This variant has not been reported in the literature in individuals affected with TOPORS-related conditions. This variant is not present in population databases (gnomAD no frequency).